The following is an entry in ClinVar:

NM_206933.4(USH2A):c.2610C>A (p.Cys870Ter)

Genes: USH2A (usherin; minus strand), LOC122152296 (Sharpr-MPRA regulatory region 8762; plus strand). Cytogenetic location: 1q41.
Variant type: single nucleotide variant.
Coding change: c.2610C>A on transcript NM_206933.4 (MANE Select); coding-DNA position 2610, C replaced by A.
Protein change: p.Cys870Ter; replaces cysteine 870 with a stop codon.
Molecular consequence: nonsense.
Genome position (GRCh38, 1-based): chr1:216,246,784, G>T on the plus strand (C>A on the coding strand, the complement: USH2A is on the minus strand). VCF-style: chr1-216246784-G-T. GRCh37 (hg19) VCF-style: chr1-216420126-G-T.
Other names: c.2610C>A, p.Cys870Ter (NM_007123.6); short protein forms C870*.
Identifiers: ClinVar variation 557167 (VCV000557167.54), dbSNP rs767078782, ClinGen allele CA1396201.
Genomic context (GRCh38, chr1:216,246,784, plus strand): 5'-GGTCAAATTGTACCTGTGAGGCTCACACTGATTACAGCGAAGACCTGTTACCCCTAATTT[G>T]CAAGGACATTGTCCTGTTGATTTGTTACACAGCAGAGAGCCATTTATTGTCCCAGTCTTA-3'

ClinVar aggregate classification (germline): Pathogenic. Review status: criteria provided, multiple submitters, no conflicts (2 of 4 stars). 18 submissions from 17 submitters: Pathogenic (16). 2 of the submissions do not count toward it. Last evaluated 2025-09-14.

Conditions:
Retinitis pigmentosa 39 (RP39). Identifiers: Orphanet 791, MedGen C3151138, MONDO:0013436, OMIM 613809.
Usher syndrome type 2A. Also called: USHER SYNDROME, TYPE IIA; RETINAL DISEASE IN USHER SYNDROME TYPE IIA, MODIFIER OF. Identifiers: Orphanet 231178, Orphanet 886, MedGen C1848634, MONDO:0010169, OMIM 276901.
USH2A-related disorder. Also called: USH2A-related disorders; USH2A-related condition. Identifiers: MedGen CN239332.
Retinal dystrophy. Also called: Inherited retinal dystrophy. Identifiers: Orphanet 71862, MedGen C0854723, MeSH D058499, MONDO:0019118, HP:0000556.
Rare genetic deafness. Identifiers: Orphanet 96210, MedGen C5680250.
Usher syndrome. Also called: Usher Syndromes; Usher's syndrome. Identifiers: Orphanet 886, MedGen CN469326, MeSH D052245, MONDO:0019501. Disease mechanism: loss of function.

Allele frequency attached by ClinVar (database versions not stated): TOPMed below 0.00001; gnomAD 0.00001; gnomAD exomes 0.00001.
gnomAD v4.1: 15 of 1,614,016 alleles (0.00093%); highest among the groups gnomAD compares: Non-Finnish European, 0.0012%; no homozygotes.

Submissions (18):

Labcorp Genetics (formerly Invitae), Labcorp
Classification: Pathogenic. Last evaluated: 2025-09-14. Review status: criteria provided, single submitter. Criteria: Invitae Variant Classification Sherloc (09022015). Collection method: clinical testing. Allele origin: germline.
Comment: This sequence change creates a premature translational stop signal (p.Cys870*) in the USH2A gene. It is expected to result in an absent or disrupted protein product. Loss-of-function variants in USH2A are known to be pathogenic (PMID: 10729113, 10909849, 20507924, 25649381). This variant is present in population databases (rs767078782, gnomAD 0.003%). This premature translational stop signal has been observed in individual(s) with Usher syndrome (PMID: 22135276, 28559085). In at least one individual the data is consistent with being in trans (on the opposite chromosome) from a pathogenic variant. ClinVar contains an entry for this variant (Variation ID: 557167). For these reasons, this variant has been classified as Pathogenic.

PreventionGenetics, part of Exact Sciences
Classification: Pathogenic for USH2A-related condition. Last evaluated: 2025-04-28. Review status: criteria provided, single submitter. Criteria: ACMG Guidelines, 2015. Collection method: clinical testing. Allele origin: germline.
Comment: The USH2A c.2610C>A variant is predicted to result in premature protein termination (p.Cys870*). This variant was reported in the homozygous or heterozygous state along with a second causative variant in multiple individual with Usher syndrome (Le Quesne Stabej et al. 2012. PubMed ID: 22135276; Table S4, Stone et al. 2017. PubMed ID: 28559085; Comander et al. 2017. PubMed ID: 28981474; Table S2, Weisschuh et al. 2020. PubMed ID: 32531858; Table S5, Colombo et al. 2021. PubMed ID: 33576794). This variant is reported in 0.0031% of alleles in individuals of European (Non-Finnish) descent in gnomAD. Nonsense variants in USH2A are expected to be pathogenic. This variant is interpreted as pathogenic.

3billion
Classification: Pathogenic for Usher syndrome type 2A. Last evaluated: 2025-02-27. Review status: criteria provided, single submitter. Criteria: ACMG Guidelines, 2015. Collection method: clinical testing. Allele origin: germline. Affected: yes.
Comment: The variant is observed at an extremely low frequency in the gnomAD v4.1.0 dataset (total allele frequency: <0.001%). Predicted Consequence/Location: Stop-gained (nonsense): predicted to result in a loss or disruption of normal protein function through nonsense-mediated decay (NMD) or protein truncation. Multiple pathogenic variants are reported downstream of the variant. The variant has been reported at least twice as pathogenic with clinical assertions and evidence for the classification (ClinVar ID: VCV000557167 /PMID: 22135276). Therefore, this variant is classified as Pathogenic according to the recommendation of ACMG/AMP guideline.

Blueprint Genetics
Classification: Pathogenic for USH2A-related disorders. Last evaluated: 2024-08-02. Review status: criteria provided, single submitter. Criteria: ACMG Guidelines, 2015. Collection method: clinical testing. Allele origin: germline. Affected: yes. Observed: 5 variant alleles.

CeGaT Center for Human Genetics Tuebingen
Classification: Pathogenic. Last evaluated: 2024-06-01. Review status: criteria provided, single submitter. Criteria: CeGaT Center For Human Genetics Tuebingen Variant Classification Criteria Version 2. Collection method: clinical testing. Allele origin: germline. Affected: yes. Observed: 2 variant alleles.
Comment: USH2A: PM3:Very Strong, PVS1, PM2

Fulgent Genetics
Classification: Pathogenic for Usher syndrome type 2A; Retinitis pigmentosa 39. Last evaluated: 2024-05-14. Review status: criteria provided, single submitter. Criteria: ACMG Guidelines, 2015. Collection method: clinical testing. Allele origin: germline.

Baylor Genetics
Classification: Pathogenic for Retinitis pigmentosa 39. Last evaluated: 2024-03-12. Review status: criteria provided, single submitter. Criteria: ACMG Guidelines, 2015. Collection method: clinical testing. Allele origin: unknown.

Genome-Nilou Lab
Classification: Pathogenic for Retinitis pigmentosa 39. Last evaluated: 2023-11-04. Review status: criteria provided, single submitter. Criteria: ACMG Guidelines, 2015. Collection method: clinical testing. Allele origin: germline. Affected: no.

Genome-Nilou Lab
Classification: Pathogenic for Usher syndrome type 2A. Last evaluated: 2023-11-04. Review status: criteria provided, single submitter. Criteria: ACMG Guidelines, 2015. Collection method: clinical testing. Allele origin: germline. Affected: no.

Dept Of Ophthalmology, Nagoya University
Classification: Pathogenic for Retinal dystrophy. Last evaluated: 2023-10-01. Review status: criteria provided, single submitter. Criteria: Submitter's publication. Collection method: research. Allele origin: germline. Affected: yes.

Clinical Genetics Laboratory, Skane University Hospital Lund
Classification: Pathogenic. Last evaluated: 2023-03-09. Review status: criteria provided, single submitter. Criteria: ACMG Guidelines, 2015. Collection method: clinical testing. Allele origin: germline. Affected: yes.

Institute of Medical Genetics and Applied Genomics, University Hospital Tübingen
Classification: Pathogenic for Usher syndrome type 2A. Last evaluated: 2023-02-03. Review status: criteria provided, single submitter. Criteria: ACMG Guidelines, 2015. Collection method: clinical testing. Allele origin: germline. Inheritance: Autosomal recessive inheritance. Affected: yes.

The Shared Resource Centre "Genome", Research Centre for Medical Genetics
Classification: Pathogenic for Usher syndrome type 2A. Last evaluated: 2022-11-10. Review status: criteria provided, single submitter. Criteria: ACMG Guidelines, 2015. Collection method: clinical testing. Allele origin: germline. Affected: yes. Observed: 1 variant allele.

GeneDx
Classification: Pathogenic. Last evaluated: 2022-04-15. Review status: criteria provided, single submitter. Criteria: GeneDx Variant Classification Process June 2021. Collection method: clinical testing. Allele origin: germline. Affected: yes.
Comment: Nonsense variant predicted to result in protein truncation or nonsense mediated decay in a gene for which loss-of-function is a known mechanism of disease; Not observed at a significant frequency in large population cohorts (gnomAD); This variant is associated with the following publications: (PMID: 29196752, 28944237, 22135276, 28981474, 28559085, 25558175, 25333064, 27460420, 26766544, 33576794)

Institute of Human Genetics, Univ. Regensburg, Univ. Regensburg
Classification: Pathogenic for Retinal dystrophy. Last evaluated: 2022-01-01. Review status: criteria provided, single submitter. Criteria: ACMG Guidelines, 2015. Collection method: clinical testing. Allele origin: germline. Affected: yes.

Laboratory for Molecular Medicine, Mass General Brigham Personalized Medicine
Classification: Pathogenic for Rare genetic deafness; Usher syndrome. Last evaluated: 2018-07-20. Review status: criteria provided, single submitter. Criteria: LMM Criteria. Collection method: clinical testing. Allele origin: germline. Inheritance: Autosomal recessive inheritance. Observed: 1 variant allele.
Comment: The p.Cys870X variant in USH2A has been previously reported in >10 probands with Usher syndrome, who were either homozygous or compound heterozygous for another USH2A variant (Baux 2017, Bonnet 2016, Comander 2017, Krawitz 2014, Le Quesne S tabej 2012, Neuhaus 2017, Sodi 2014, Weisschuh 2016). This variant has been iden tified in 0.003% (4/126016) of European chromosomes by the Genome Aggregation Da tabase (gnomAD); however, its frequency is low enough to be consistent with a recessive carrier frequency. This nonsense varia nt leads to a premature termination codon at position 870, which is predicted to lead to a truncated or absent protein. In summary, this variant meets criteria to be classified as pathogenic for autosomal recessive Usher syndrome based on t he previously reported probands with Usher syndrome, the predicted impact of the variant, and its low frequency in the general population. ACMG/AMP criteria app lied: PVS1, PM3_VeryStrong, PM2, PP4.

Natera, Inc.
Classification: Pathogenic for Usher syndrome type 2A. Last evaluated: 2020-09-16. Review status: no assertion criteria provided. Collection method: clinical testing. Allele origin: germline. Not counted in ClinVar's aggregate classification.

Counsyl
Classification: Pathogenic for Usher syndrome type 2A; Retinitis pigmentosa 39. Last evaluated: 2018-03-18. Review status: no assertion criteria provided. Collection method: clinical testing. Allele origin: unknown. Not counted in ClinVar's aggregate classification.

Literature cited by the submitters: PubMed 10729113 (cited by Labcorp Genetics (formerly Invitae), Labcorp); PubMed 10909849 (cited by Labcorp Genetics (formerly Invitae), Labcorp); PubMed 20507924 (cited by Labcorp Genetics (formerly Invitae), Labcorp); PubMed 25649381 (cited by Labcorp Genetics (formerly Invitae), Labcorp); PubMed 22135276 (cited by 5 submitters); PubMed 28559085 (cited by Labcorp Genetics (formerly Invitae), Labcorp and Institute of Human Genetics, Univ. Regensburg, Univ. Regensburg); PubMed 28981474 (cited by Institute of Human Genetics, Univ. Regensburg, Univ. Regensburg and Laboratory for Molecular Medicine, Mass General Brigham Personalized Medicine); PubMed 31964843 (cited by Institute of Human Genetics, Univ. Regensburg, Univ. Regensburg); PubMed 32531858 (cited by Institute of Human Genetics, Univ. Regensburg, Univ. Regensburg); PubMed 33576794 (cited by Institute of Human Genetics, Univ. Regensburg, Univ. Regensburg); PubMed 36819107 (cited by Institute of Human Genetics, Univ. Regensburg, Univ. Regensburg); PubMed 36785559 (cited by Institute of Human Genetics, Univ. Regensburg, Univ. Regensburg); PubMed 28944237 (cited by Laboratory for Molecular Medicine, Mass General Brigham Personalized Medicine and Counsyl); PubMed 25558175 (cited by Laboratory for Molecular Medicine, Mass General Brigham Personalized Medicine); PubMed 27460420 (cited by Laboratory for Molecular Medicine, Mass General Brigham Personalized Medicine); PubMed 26766544 (cited by Laboratory for Molecular Medicine, Mass General Brigham Personalized Medicine); PubMed 25333064 (cited by Laboratory for Molecular Medicine, Mass General Brigham Personalized Medicine); PubMed 29196752 (cited by Laboratory for Molecular Medicine, Mass General Brigham Personalized Medicine).